The following is an entry in ClinVar:

NM_001128205.2(SULF1):c.62T>A (p.Leu21His)

Gene: SULF1 (sulfatase 1; plus strand). Cytogenetic location: 8q13.2.
Variant type: single nucleotide variant.
Coding change: c.62T>A on transcript NM_001128205.2 (MANE Select); coding-DNA position 62, T replaced by A.
Protein change: p.Leu21His; replaces leucine 21 with histidine.
Molecular consequence: missense variant. On other transcripts: non-coding transcript variant (2).
Genome position (GRCh38, 1-based): chr8:69,564,037, T>A. VCF-style: chr8-69564037-T-A. GRCh37 (hg19) VCF-style: chr8-70476272-T-A.
Other names: c.62T>A, p.Leu21His (NM_001128204.2, NM_001128206.2, NM_015170.3); c.62T>A (NM_001128205.1); short protein forms L21H.
Identifiers: ClinVar variation 1405814 (VCV001405814.12), dbSNP rs201640007, ClinGen allele CA4775469.

ClinVar aggregate classification (germline): Uncertain significance. Review status: criteria provided, multiple submitters, no conflicts (2 of 4 stars). 2 submissions from 2 submitters: Uncertain significance (2). Last evaluated 2025-01-07.

Allele frequency attached by ClinVar (database versions not stated): gnomAD 0.00001 and 0.00002; TOPMed 0.00002; 1000 Genomes Project 30x 0.00016; 1000 Genomes Project 0.00020.
gnomAD v4.1: 51 of 1,614,188 alleles (0.0032%); highest among the groups gnomAD compares: East Asian, 0.11%; no homozygotes.

Submissions (2):

Ambry Genetics
Classification: Uncertain significance. Last evaluated: 2025-01-07. Review status: criteria provided, single submitter. Criteria: Ambry Variant Classification Scheme 2023. Collection method: clinical testing. Allele origin: germline.

Labcorp Genetics (formerly Invitae), Labcorp
Classification: Uncertain significance. Last evaluated: 2022-08-31. Review status: criteria provided, single submitter. Criteria: Invitae Variant Classification Sherloc (09022015). Collection method: clinical testing. Allele origin: germline.
Comment: ClinVar contains an entry for this variant (Variation ID: 1405814). In summary, the available evidence is currently insufficient to determine the role of this variant in disease. Therefore, it has been classified as a Variant of Uncertain Significance. Algorithms developed to predict the effect of missense changes on protein structure and function (SIFT, PolyPhen-2, Align-GVGD) all suggest that this variant is likely to be tolerated. This variant has not been reported in the literature in individuals affected with SULF1-related conditions. This variant is present in population databases (rs201640007, gnomAD 0.05%). This sequence change replaces leucine, which is neutral and non-polar, with histidine, which is basic and polar, at codon 21 of the SULF1 protein (p.Leu21His).